The following is an entry in ClinVar:

NM_182961.4(SYNE1):c.6975A>T (p.Glu2325Asp)

Gene: SYNE1 (spectrin repeat containing nuclear envelope protein 1; minus strand). Cytogenetic location: 6q25.2.
Variant type: single nucleotide variant.
Coding change: c.6975A>T on transcript NM_182961.4 (MANE Select); coding-DNA position 6975, A replaced by T.
Protein change: p.Glu2325Asp; replaces glutamic acid 2325 with aspartic acid.
Molecular consequence: missense variant.
Genome position (GRCh38, 1-based): chr6:152,401,192, T>A on the plus strand (A>T on the coding strand, the complement: SYNE1 is on the minus strand). VCF-style: chr6-152401192-T-A. GRCh37 (hg19) VCF-style: chr6-152722327-T-A.
Other names: c.6996A>T, p.Glu2332Asp (NM_033071.5); short protein forms E2332D, E2325D.
Identifiers: ClinVar variation 2050979 (VCV002050979.4), dbSNP rs758413774, ClinGen allele CA4057953.

ClinVar aggregate classification (germline): Uncertain significance (1 of 4 stars; one submission).

Conditions:
Emery-Dreifuss muscular dystrophy 4, autosomal dominant (EDMD4). Also called: EMERY-DREIFUSS MUSCULAR DYSTROPHY 4 WITH VARIABLE FEATURES. Identifiers: Orphanet 261, MedGen C2751807, MONDO:0013071, OMIM 612998.
Autosomal recessive ataxia, Beauce type. Also called: SYNE1 Deficiency; Spinocerebellar ataxia, autosomal recessive 8; ATAXIA, RECESSIVE, OF BEAUCE; SYNE1-Related Autosomal Recessive Cerebellar Ataxia. Identifiers: Orphanet 88644, MedGen C1853116, MONDO:0012549, OMIM 610743.

Allele frequency attached by ClinVar (database versions not stated): ExAC 0.00001.
gnomAD v4.1: 2 of 1,614,178 alleles (0.00012%); highest among the groups gnomAD compares: African/African-American, 0.0027%; no homozygotes.

Submission:

Labcorp Genetics (formerly Invitae), Labcorp
Classification: Uncertain significance for Emery-Dreifuss muscular dystrophy 4, autosomal dominant; Autosomal recessive ataxia, Beauce type. Last evaluated: 2022-06-08. Review status: criteria provided, single submitter. Criteria: Invitae Variant Classification Sherloc (09022015). Collection method: clinical testing. Allele origin: germline.
Comment: In summary, the available evidence is currently insufficient to determine the role of this variant in disease. Therefore, it has been classified as a Variant of Uncertain Significance. Algorithms developed to predict the effect of missense changes on protein structure and function output the following: SIFT: "Tolerated"; PolyPhen-2: "Benign"; Align-GVGD: "Class C0". The aspartic acid amino acid residue is found in multiple mammalian species, which suggests that this missense change does not adversely affect protein function. This variant has not been reported in the literature in individuals affected with SYNE1-related conditions. This variant is present in population databases (rs758413774, gnomAD 0.007%). This sequence change replaces glutamic acid, which is acidic and polar, with aspartic acid, which is acidic and polar, at codon 2332 of the SYNE1 protein (p.Glu2332Asp).